The following is an entry in ClinVar:

ClinVar aggregate classification (germline): Uncertain significance. Review status: criteria provided, multiple submitters, no conflicts (2 of 4 stars). 2 submissions from 2 submitters: Uncertain significance (2). Last evaluated 2025-11-01.

Conditions:
Inborn genetic diseases. Identifiers: MedGen C0950123, MeSH D030342.

gnomAD v4.1: 5 of 1,607,132 alleles (0.00031%); highest among the groups gnomAD compares: South Asian, 0.0011%; no homozygotes.

Submissions (2):

Labcorp Genetics (formerly Invitae), Labcorp
Classification: Uncertain significance. Last evaluated: 2025-11-01. Review status: criteria provided, single submitter. Criteria: Invitae Variant Classification Sherloc (09022015). Collection method: clinical testing. Allele origin: germline.
Comment: This sequence change replaces arginine, which is basic and polar, with tryptophan, which is neutral and slightly polar, at codon 1981 of the KMT2A protein (p.Arg1981Trp). This variant is not present in population databases (gnomAD no frequency). This variant has not been reported in the literature in individuals affected with KMT2A-related conditions. ClinVar contains an entry for this variant (Variation ID: 4094235). Invitae Evidence Modeling of protein sequence and biophysical properties (such as structural, functional, and spatial information, amino acid conservation, physicochemical variation, residue mobility, and thermodynamic stability) indicates that this missense variant is not expected to disrupt KMT2A protein function with a negative predictive value of 95%. Algorithms developed to predict the effect of sequence changes on RNA splicing suggest that this variant may disrupt the consensus splice site. In summary, the available evidence is currently insufficient to determine the role of this variant in disease. Therefore, it has been classified as a Variant of Uncertain Significance.

Ambry Genetics
Classification: Uncertain significance for Inborn genetic diseases. Last evaluated: 2025-08-10. Review status: criteria provided, single submitter. Criteria: Ambry Variant Classification Scheme 2023. Collection method: clinical testing. Allele origin: germline.

NM_001197104.2(KMT2A):c.5941C>T (p.Arg1981Trp)

Gene: KMT2A (lysine methyltransferase 2A; plus strand). Cytogenetic location: 11q23.3.
Variant type: single nucleotide variant.
Coding change: c.5941C>T on transcript NM_001197104.2 (MANE Select); coding-DNA position 5941, C replaced by T.
Protein change: p.Arg1981Trp; replaces arginine 1981 with tryptophan.
Molecular consequence: missense variant.
Genome position (GRCh38, 1-based): chr11:118,498,508, C>T. VCF-style: chr11-118498508-C-T. GRCh37 (hg19) VCF-style: chr11-118369223-C-T.
Other names: c.6031C>T, p.Arg2011Trp (NM_001412597.1); c.5932C>T, p.Arg1978Trp (NM_005933.4); short protein forms R2011W, R1981W, R1978W.
Identifiers: ClinVar variation 4094235 (VCV004094235.2).